The following is an entry in ClinVar:

ClinVar aggregate classification (germline): Uncertain significance (1 of 4 stars; one submission).

Conditions:
Short-rib thoracic dysplasia 11 with or without polydactyly (SRTD11). Also called: SHORT-RIB THORACIC DYSPLASIA 11 WITHOUT POLYDACTYLY. Identifiers: Orphanet 474, Orphanet 93271, MedGen C3810200, MONDO:0014287, OMIM 615633.

gnomAD v4.1: 2 of 1,613,892 alleles (0.00012%); highest among the groups gnomAD compares: Admixed American, 0.0017%; no homozygotes.

Submission:

Labcorp Genetics (formerly Invitae), Labcorp
Classification: Uncertain significance for Short-rib thoracic dysplasia 11 with or without polydactyly. Last evaluated: 2022-09-01. Review status: criteria provided, single submitter. Criteria: Invitae Variant Classification Sherloc (09022015). Collection method: clinical testing. Allele origin: germline.
Comment: This sequence change replaces arginine, which is basic and polar, with histidine, which is basic and polar, at codon 442 of the WDR34 protein (p.Arg442His). This variant is present in population databases (no rsID available, gnomAD 0.003%). This variant has not been reported in the literature in individuals affected with WDR34-related conditions. Algorithms developed to predict the effect of missense changes on protein structure and function are either unavailable or do not agree on the potential impact of this missense change (SIFT: "Deleterious"; PolyPhen-2: "Possibly Damaging"; Align-GVGD: "Class C0"). In summary, the available evidence is currently insufficient to determine the role of this variant in disease. Therefore, it has been classified as a Variant of Uncertain Significance.

NM_052844.4(DYNC2I2):c.1325G>A (p.Arg442His)

Gene: DYNC2I2 (dynein 2 intermediate chain 2; minus strand). Cytogenetic location: 9q34.11.
Variant type: single nucleotide variant.
Coding change: c.1325G>A on transcript NM_052844.4 (MANE Select); coding-DNA position 1325, G replaced by A.
Protein change: p.Arg442His; replaces arginine 442 with histidine.
Molecular consequence: missense variant.
Genome position (GRCh38, 1-based): chr9:128,634,273, C>T on the plus strand (G>A on the coding strand, the complement: DYNC2I2 is on the minus strand). VCF-style: chr9-128634273-C-T. GRCh37 (hg19) VCF-style: chr9-131396552-C-T.
Other names: short protein forms R442H.
Identifiers: ClinVar variation 1963752 (VCV001963752.2), dbSNP rs1178462980, ClinGen allele CA375109312.